The following is an entry in ClinVar:

NM_052872.4(IL17F):c.-48T>C

Gene: IL17F (interleukin 17F; minus strand). Cytogenetic location: 6p12.2.
Variant type: single nucleotide variant.
Coding change: c.-48T>C on transcript NM_052872.4 (MANE Select); 48 bases upstream of the start codon, T replaced by C.
Molecular consequence: 5 prime UTR variant.
Genome position (GRCh38, 1-based): chr6:52,244,477, A>G on the plus strand (T>C on the coding strand, the complement: IL17F is on the minus strand). VCF-style: chr6-52244477-A-G. GRCh37 (hg19) VCF-style: chr6-52109275-A-G.
Identifiers: ClinVar variation 357474 (VCV000357474.5), dbSNP rs140679432, ClinGen allele CA3854497.

ClinVar aggregate classification (germline): Benign (1 of 4 stars; one submission).

Conditions:
Candidiasis, familial, 6 (CANDF6). Also called: Candidiasis, familial, 6, autosomal dominant. Identifiers: Orphanet 1334, MedGen C3151405, MONDO:0013503, OMIM 613956.

Allele frequency attached by ClinVar (database versions not stated): gnomAD 0.00004 and 0.00008; gnomAD exomes 0.00007 and 0.00019; TOPMed 0.00009; ExAC 0.00021; 1000 Genomes Project 30x 0.00047; 1000 Genomes Project 0.00060.
gnomAD v4.1: 112 of 1,589,906 alleles (0.007%); highest among the groups gnomAD compares: East Asian, 0.18%; no homozygotes.

Submission:

Illumina Laboratory Services, Illumina
Classification: Benign for Candidiasis, familial, 6. Last evaluated: 2018-01-12. Review status: criteria provided, single submitter. Criteria: ICSL Variant Classification Criteria 13 December 2019. Collection method: clinical testing. Allele origin: germline.
Comment: This variant was observed in the ICSL laboratory as part of a predisposition screen in an ostensibly healthy population. It had not been previously curated by ICSL or reported in the Human Gene Mutation Database (HGMD: prior to June 1st, 2018), and was therefore a candidate for classification through an automated scoring system. Utilizing variant allele frequency, disease prevalence and penetrance estimates, and inheritance mode, an automated score was calculated to assess if this variant is too frequent to cause the disease. Based on the score and internal cut-off values, a variant classified as benign is not then subjected to further curation. The score for this variant resulted in a classification of benign for this disease.